The following is an entry in ClinVar:

NM_002485.5(NBN):c.1759G>A (p.Val587Ile)

Gene: NBN (nibrin; minus strand). Cytogenetic location: 8q21.3.
Variant type: single nucleotide variant.
Coding change: c.1759G>A on transcript NM_002485.5 (MANE Select); coding-DNA position 1759, G replaced by A.
Protein change: p.Val587Ile; replaces valine 587 with isoleucine.
Molecular consequence: missense variant.
Genome position (GRCh38, 1-based): chr8:89,953,330, C>T on the plus strand (G>A on the coding strand, the complement: NBN is on the minus strand). VCF-style: chr8-89953330-C-T. GRCh37 (hg19) VCF-style: chr8-90965558-C-T.
Other names: c.1513G>A, p.Val505Ile (NM_001024688.3); short protein forms V505I, V587I.
Identifiers: ClinVar variation 657615 (VCV000657615.9), dbSNP rs1586053076, ClinGen allele CA371655155.
Genomic context (GRCh38, chr8:89,953,330, plus strand): 5'-CTTCATCACTGAAAGTGTCATTTGTTTCTATATCCATCCTTGGCCTTTTTCTAACATTGA[C>T]ATCTTCCTCCTGTTTTTGAACTTTCACATCAATTTCTAACTCTGGTTTTGTGTCCTTGAA-3'
Protein context (NP_002476.2, residues 577-597): DVKVQKQEED[Val587Ile]NVRKRPRMDI

ClinVar aggregate classification (germline): Uncertain significance. Review status: criteria provided, multiple submitters, no conflicts (2 of 4 stars). 2 submissions from 2 submitters: Uncertain significance (2). Last evaluated 2025-05-08.

Conditions:
Hereditary cancer-predisposing syndrome. Also called: Neoplastic Syndromes, Hereditary; Hereditary neoplastic syndrome; Hereditary Cancer Syndrome; Tumor predisposition. Identifiers: Orphanet 140162, MedGen C0027672, MeSH D009386, MONDO:0015356.
Microcephaly, normal intelligence and immunodeficiency (NBS). Also called: BERLIN BREAKAGE SYNDROME; Immunodeficiency, microcephaly with normal intelligence; SEEMANOVA SYNDROME II; Ataxia telangiectasia variant V1; Nijmegen breakage syndrome; IMMUNODEFICIENCY, MICROCEPHALY, AND CHROMOSOMAL INSTABILITY. Identifiers: Orphanet 647, MedGen C0398791, MONDO:0009623, OMIM 251260.

Submissions (2):

Ambry Genetics
Classification: Uncertain significance for Hereditary cancer-predisposing syndrome. Last evaluated: 2025-05-08. Review status: criteria provided, single submitter. Criteria: Ambry Variant Classification Scheme 2023. Collection method: clinical testing. Allele origin: germline.
Comment: The p.V587I variant (also known as c.1759G>A), located in coding exon 11 of the NBN gene, results from a G to A substitution at nucleotide position 1759. The valine at codon 587 is replaced by isoleucine, an amino acid with highly similar properties. This amino acid position is conserved. In addition, this alteration is predicted to be tolerated by in silico analysis. Based on the available evidence, the clinical significance of this variant remains unclear.

Labcorp Genetics (formerly Invitae), Labcorp
Classification: Uncertain significance for Microcephaly, normal intelligence and immunodeficiency. Last evaluated: 2024-04-15. Review status: criteria provided, single submitter. Criteria: Invitae Variant Classification Sherloc (09022015). Collection method: clinical testing. Allele origin: germline.
Comment: This sequence change replaces valine, which is neutral and non-polar, with isoleucine, which is neutral and non-polar, at codon 587 of the NBN protein (p.Val587Ile). This variant is not present in population databases (gnomAD no frequency). This variant has not been reported in the literature in individuals affected with NBN-related conditions. ClinVar contains an entry for this variant (Variation ID: 657615). Algorithms developed to predict the effect of missense changes on protein structure and function output the following: SIFT: "Not Available"; PolyPhen-2: "Benign"; Align-GVGD: "Not Available". The isoleucine amino acid residue is found in multiple mammalian species, which suggests that this missense change does not adversely affect protein function. In summary, the available evidence is currently insufficient to determine the role of this variant in disease. Therefore, it has been classified as a Variant of Uncertain Significance.